The following is an entry in ClinVar:

NM_001201543.2(FAM161A):c.2002G>A (p.Glu668Lys)

Gene: FAM161A (FAM161 centrosomal protein A; minus strand). Cytogenetic location: 2p15.
Variant type: single nucleotide variant.
Coding change: c.2002G>A on transcript NM_001201543.2 (MANE Select); coding-DNA position 2002, G replaced by A.
Protein change: p.Glu668Lys; replaces glutamic acid 668 with lysine.
Molecular consequence: missense variant. On other transcripts: non-coding transcript variant (1).
Genome position (GRCh38, 1-based): chr2:61,827,108, C>T on the plus strand (G>A on the coding strand, the complement: FAM161A is on the minus strand). VCF-style: chr2-61827108-C-T. GRCh37 (hg19) VCF-style: chr2-62054243-C-T.
Other names: c.1834G>A, p.Glu612Lys (NM_032180.3); short protein forms E612K, E668K.
Identifiers: ClinVar variation 1035203 (VCV001035203.8), dbSNP rs1672395521, ClinGen allele CA346984386.

ClinVar aggregate classification (germline): Uncertain significance (1 of 4 stars; one submission).

Allele frequency attached by ClinVar (database versions not stated): gnomAD exomes below 0.00001; TOPMed below 0.00001.
gnomAD v4.1: 1 of 1,613,534 alleles (0.000062%); highest among the groups gnomAD compares: Non-Finnish European, 0.000085%; no homozygotes.

Submission:

Labcorp Genetics (formerly Invitae), Labcorp
Classification: Uncertain significance. Last evaluated: 2022-06-03. Review status: criteria provided, single submitter. Criteria: Invitae Variant Classification Sherloc (09022015). Collection method: clinical testing. Allele origin: germline.
Comment: This sequence change replaces glutamic acid, which is acidic and polar, with lysine, which is basic and polar, at codon 668 of the FAM161A protein (p.Glu668Lys). This variant is not present in population databases (gnomAD no frequency). This variant has not been reported in the literature in individuals affected with FAM161A-related conditions. ClinVar contains an entry for this variant (Variation ID: 1035203). Algorithms developed to predict the effect of missense changes on protein structure and function are either unavailable or do not agree on the potential impact of this missense change (SIFT: "Tolerated"; PolyPhen-2: "Probably Damaging"; Align-GVGD: "Class C0"). In summary, the available evidence is currently insufficient to determine the role of this variant in disease. Therefore, it has been classified as a Variant of Uncertain Significance.